The following is an entry in ClinVar:

NM_181458.4(PAX3):c.357G>T (p.Glu119Asp)

Gene: PAX3 (paired box 3; minus strand). Cytogenetic location: 2q36.1.
Variant type: single nucleotide variant.
Coding change: c.357G>T on transcript NM_181458.4 (MANE Select); coding-DNA position 357, G replaced by T.
Protein change: p.Glu119Asp; replaces glutamic acid 119 with aspartic acid.
Molecular consequence: missense variant.
Genome position (GRCh38, 1-based): chr2:222,295,622, C>A on the plus strand (G>T on the coding strand, the complement: PAX3 is on the minus strand). VCF-style: chr2-222295622-C-A. GRCh37 (hg19) VCF-style: chr2-223160341-C-A.
Other names: c.357G>T, p.Glu119Asp (NM_000438.6, NM_013942.5, NM_181457.4 and 3 more transcripts); c.354G>T, p.Glu118Asp (NM_001127366.3); short protein forms E118D, E119D.
Identifiers: ClinVar variation 3601579 (VCV003601579.1).
Genomic context (GRCh38, chr2:222,295,622, plus strand): 5'-CTTGAGTAATTTGTCTCGGATTTCCCAGCTGAACATGCCCGGGTTCTCTCTTTTGTATTC[C>A]TCAATTTTCTTCTCCACGTCAGGCGTTGTCACCTGCTTTAAGAGAACAGGCGGGCAGGCG-3'
Protein context (NP_852123.1, residues 109-129): VTTPDVEKKI[Glu119Asp]EYKRENPGMF

ClinVar aggregate classification (germline): Likely pathogenic (1 of 4 stars; one submission).

Conditions:
Waardenburg syndrome type 1 (WS1). Also called: WAARDENBURG SYNDROME WITH DYSTOPIA CANTHORUM; Waardenburg Syndrome Type I. Identifiers: Orphanet 894, MedGen C1847800, MONDO:0008670, OMIM 193500.

Submission:

Institute of Rare Diseases, West China Hospital, Sichuan University
Classification: Likely pathogenic for Waardenburg syndrome type 1. Last evaluated: 2025-01-09. Review status: criteria provided, single submitter. Criteria: ClinGen HL ACMG Specifications v1. Collection method: research. Allele origin: germline. Affected: yes.
Comment: PM1;PS2;PP4;PM2_Supporting;PP3